The following is an entry in ClinVar:

NM_014844.5(TECPR2):c.1152del (p.Ala386fs)

Gene: TECPR2 (tectonin beta-propeller repeat containing 2; plus strand). Cytogenetic location: 14q32.31.
Variant type: Deletion.
Coding change: c.1152del on transcript NM_014844.5 (MANE Select); coding-DNA position 1152, one base deleted (A; older notation c.1152delA).
Protein change: p.Ala386fs; shifts the reading frame from alanine 386.
Molecular consequence: frameshift variant.
Genome position (GRCh38, 1-based): chr14:102,431,863, A deleted. VCF-style (leftmost placement, unchanged base first): chr14-102431862-CA-C. GRCh37 (hg19) VCF-style: chr14-102898199-CA-C.
Other names: c.1152del, p.Ala386fs (NM_001172631.3); short protein forms A386fs.
Identifiers: ClinVar variation 1350644 (VCV001350644.6), dbSNP rs2139726694, ClinGen allele CA2573150420.
Genomic context (GRCh38, chr14:102,431,862, plus strand): 5'-ATGGTCTGGAGATGTCTGGATGCTCAGAGCGTGTCCACGTGCAGCAAGCGGAGAAGCTGC[CA>C]GGGGCCACAGTTTCTGAGACGAGGCTCAGAGGCTCTTCCATGGCCAGCTCCGTGGCCAGC-3'

ClinVar aggregate classification (germline): Pathogenic (1 of 4 stars; one submission).

Conditions:
Hereditary spastic paraplegia 49 (HSAN9). Also called: Spastic paraplegia 49, autosomal recessive; TECPR2-Related Hereditary Sensory and Autonomic Neuropathy with Intellectual Disability; NEUROPATHY, HEREDITARY SENSORY AND AUTONOMIC, TYPE IX, WITH DEVELOPMENTAL DELAY. Identifiers: Orphanet 320385, MedGen C5190860, MONDO:0014016, OMIM 615031.

Submission:

Labcorp Genetics (formerly Invitae), Labcorp
Classification: Pathogenic for Hereditary spastic paraplegia 49. Last evaluated: 2023-03-09. Review status: criteria provided, single submitter. Criteria: Invitae Variant Classification Sherloc (09022015). Collection method: clinical testing. Allele origin: germline.
Comment: This sequence change creates a premature translational stop signal (p.Ala386Profs*73) in the TECPR2 gene. It is expected to result in an absent or disrupted protein product. Loss-of-function variants in TECPR2 are known to be pathogenic (PMID: 23176824, 25590979). This variant is not present in population databases (gnomAD no frequency). This variant has not been reported in the literature in individuals affected with TECPR2-related conditions. ClinVar contains an entry for this variant (Variation ID: 1350644). For these reasons, this variant has been classified as Pathogenic.

Literature cited by the submitters: PubMed 23176824; PubMed 25590979.